The following is an entry in ClinVar:

ClinVar aggregate classification (germline): Uncertain significance (1 of 4 stars; one submission).

Conditions:
Cardiovascular phenotype. Identifiers: MedGen CN230736.

Submission:

Ambry Genetics
Classification: Uncertain significance for Cardiovascular phenotype. Last evaluated: 2021-11-29. Review status: criteria provided, single submitter. Criteria: Ambry Variant Classification Scheme 2023. Collection method: clinical testing. Allele origin: germline.
Comment: The p.G675R variant (also known as c.2023G>A), located in coding exon 16 of the KCNQ1 gene, results from a G to A substitution at nucleotide position 2023. The glycine at codon 675 is replaced by arginine, an amino acid with dissimilar properties, and is located in the C-terminal region of the protein. This amino acid position is not well conserved in available vertebrate species. In addition, the in silico prediction for this alteration is inconclusive. Since supporting evidence is limited at this time, the clinical significance of this alteration remains unclear.

NM_000218.3(KCNQ1):c.2023G>A (p.Gly675Arg)

Genes: KCNQ1 (potassium voltage-gated channel subfamily Q member 1; plus strand), KCNQ1-AS1 (KCNQ1 antisense RNA 1; minus strand). Cytogenetic location: 11p15.4.
Variant type: single nucleotide variant.
Coding change: c.2023G>A on transcript NM_000218.3 (MANE Select); coding-DNA position 2023, G replaced by A.
Protein change: p.Gly675Arg; replaces glycine 675 with arginine.
Molecular consequence: missense variant.
Genome position (GRCh38, 1-based): chr11:2,847,995, G>A. VCF-style: chr11-2847995-G-A. GRCh37 (hg19) VCF-style: chr11-2869225-G-A.
Other names: c.1927G>A, p.Gly643Arg (NM_001406836.1); c.1753G>A, p.Gly585Arg (NM_001406837.1); c.1483G>A, p.Gly495Arg (NM_001406838.1); c.535G>A, p.Gly179Arg (NM_001406839.1); c.1642G>A, p.Gly548Arg (NM_181798.2); short protein forms G179R, G643R, G495R, G548R, G585R, G675R.
Identifiers: ClinVar variation 1784609 (VCV001784609.2), dbSNP rs2494328039, ClinGen allele CA379140641.
Genomic context (GRCh38, chr11:2,847,995, plus strand): 5'-CCCAGCAACACCCTGCCCACCTACGAGCAGCTGACCGTGCCCAGGAGGGGCCCCGATGAG[G>A]GGTCCTGAGGAGGGGATGGGGCTGGGGGATGGGCCTGAGTGAGAGGGGAGGCCAAGAGTG-3'
Protein context (NP_000209.2, residues 665-676): LTVPRRGPDE[Gly675Arg]S